The following is an entry in ClinVar:

ClinVar aggregate classification (germline): Likely pathogenic (1 of 4 stars; one submission).

Submission:

Labcorp Genetics (formerly Invitae), Labcorp
Classification: Likely pathogenic. Last evaluated: 2022-12-20. Review status: criteria provided, single submitter. Criteria: Invitae Variant Classification Sherloc (09022015). Collection method: clinical testing. Allele origin: germline.
Comment: This sequence change affects a donor splice site in intron 11 of the SKIV2L gene. It is expected to disrupt RNA splicing. Variants that disrupt the donor or acceptor splice site typically lead to a loss of protein function (PMID: 16199547), and loss-of-function variants in SKIV2L are known to be pathogenic (PMID: 22444670). In summary, the currently available evidence indicates that the variant is pathogenic, but additional data are needed to prove that conclusively. Therefore, this variant has been classified as Likely Pathogenic. Algorithms developed to predict the effect of sequence changes on RNA splicing suggest that this variant may disrupt the consensus splice site. This variant has not been reported in the literature in individuals affected with SKIV2L-related conditions. This variant is not present in population databases (gnomAD no frequency).

Literature cited by the submitters: PubMed 16199547; PubMed 22444670.

NM_006929.5(SKIC2):c.1211+1G>T

Genes: SKIC2 (SKI2 subunit of superkiller complex; plus strand), LOC126859653 (CDK7 strongly-dependent group 2 enhancer GRCh37_chr6:31929542-31930741; plus strand). Cytogenetic location: 6p21.33.
Variant type: single nucleotide variant.
Coding change: c.1211+1G>T on transcript NM_006929.5 (MANE Select); the canonical splice donor site of the intron after coding-DNA position 1211, G replaced by T.
Molecular consequence: splice donor variant.
Genome position (GRCh38, 1-based): chr6:31,962,586, G>T. VCF-style: chr6-31962586-G-T. GRCh37 (hg19) VCF-style: chr6-31930363-G-T.
Identifiers: ClinVar variation 2997734 (VCV002997734.3), dbSNP rs2482923446, ClinGen allele CA363453632.
Genomic context (GRCh38, chr6:31,962,586, plus strand): 5'-CGGGGATGTACAGCTGCATCCGGAGGCCTCCTGCCTCATCATGACCACAGAGATCCTTCG[G>T]TGAGAGATGGACACTCAATACAGGGGAGTTTTGGCTGGGAAGATGTGGCCGTTGTGGAGA-3'